The following is an entry in ClinVar:

NM_024675.4(PALB2):c.1270G>A (p.Ala424Thr)

Gene: PALB2 (partner and localizer of BRCA2; minus strand). Cytogenetic location: 16p12.2.
Variant type: single nucleotide variant.
Coding change: c.1270G>A on transcript NM_024675.4 (MANE Select); coding-DNA position 1270, G replaced by A.
Protein change: p.Ala424Thr; replaces alanine 424 with threonine.
Molecular consequence: missense variant.
Genome position (GRCh38, 1-based): chr16:23,635,276, C>T on the plus strand (G>A on the coding strand, the complement: PALB2 is on the minus strand). VCF-style: chr16-23635276-C-T. GRCh37 (hg19) VCF-style: chr16-23646597-C-T.
Other names: c.1210G>A, p.Ala404Thr (NM_001407296.1); c.1270G>A, p.Ala424Thr (NM_001407297.1, NM_001407298.1, NM_001407299.1 and 3 more transcripts); c.385G>A, p.Ala129Thr (NM_001407304.1, NM_001407305.1, NM_001407306.1 and 5 more transcripts); short protein forms A129T, A404T, A424T.
Identifiers: ClinVar variation 1802889 (VCV001802889.10), dbSNP rs2142420905, ClinGen allele CA395132676.

ClinVar aggregate classification (germline): Uncertain significance. Review status: criteria provided, multiple submitters, no conflicts (2 of 4 stars). 2 submissions from 2 submitters: Uncertain significance (2). Last evaluated 2025-03-04.

Conditions:
Familial cancer of breast. Also called: BREAST CANCER, FAMILIAL; Hereditary breast cancer; hereditary breast carcinoma. Identifiers: Orphanet 227535, MedGen C0346153, MONDO:0016419, OMIM 114480. Disease mechanism: loss of function.

Submissions (2):

Center for Genomic Medicine, Rigshospitalet, Copenhagen University Hospital
Classification: Uncertain significance. Last evaluated: 2025-03-04. Review status: criteria provided, single submitter. Criteria: ACMG Guidelines, 2015. Collection method: clinical testing. Allele origin: germline.

Labcorp Genetics (formerly Invitae), Labcorp
Classification: Uncertain significance for Familial cancer of breast. Last evaluated: 2023-08-04. Review status: criteria provided, single submitter. Criteria: Invitae Variant Classification Sherloc (09022015). Collection method: clinical testing. Allele origin: germline.
Comment: Advanced modeling of protein sequence and biophysical properties (such as structural, functional, and spatial information, amino acid conservation, physicochemical variation, residue mobility, and thermodynamic stability) performed at Invitae indicates that this missense variant is expected to disrupt PALB2 protein function. In summary, the available evidence is currently insufficient to determine the role of this variant in disease. Therefore, it has been classified as a Variant of Uncertain Significance. ClinVar contains an entry for this variant (Variation ID: 1802889). This variant has not been reported in the literature in individuals affected with PALB2-related conditions. This variant is not present in population databases (gnomAD no frequency). This sequence change replaces alanine, which is neutral and non-polar, with threonine, which is neutral and polar, at codon 424 of the PALB2 protein (p.Ala424Thr).